The following is an entry in ClinVar:

ClinVar aggregate classification (germline): Uncertain significance (1 of 4 stars; one submission).

Allele frequency attached by ClinVar (database versions not stated): TOPMed below 0.00001; ExAC 0.00001; gnomAD exomes 0.00001.
gnomAD v4.1: 10 of 1,611,206 alleles (0.00062%); highest among the groups gnomAD compares: East Asian, 0.0022%; no homozygotes.

Submission:

Labcorp Genetics (formerly Invitae), Labcorp
Classification: Uncertain significance. Last evaluated: 2022-06-27. Review status: criteria provided, single submitter. Criteria: Invitae Variant Classification Sherloc (09022015). Collection method: clinical testing. Allele origin: germline.
Comment: This sequence change replaces threonine, which is neutral and polar, with alanine, which is neutral and non-polar, at codon 255 of the CNNM4 protein (p.Thr255Ala). This variant is present in population databases (rs749703825, gnomAD 0.003%). This variant has not been reported in the literature in individuals affected with CNNM4-related conditions. Algorithms developed to predict the effect of missense changes on protein structure and function (SIFT, PolyPhen-2, Align-GVGD) all suggest that this variant is likely to be tolerated. In summary, the available evidence is currently insufficient to determine the role of this variant in disease. Therefore, it has been classified as a Variant of Uncertain Significance.

NM_020184.4(CNNM4):c.763A>G (p.Thr255Ala)

Gene: CNNM4 (cyclin and CBS domain divalent metal cation transport mediator 4; plus strand). Cytogenetic location: 2q11.2.
Variant type: single nucleotide variant.
Coding change: c.763A>G on transcript NM_020184.4 (MANE Select); coding-DNA position 763, A replaced by G.
Protein change: p.Thr255Ala; replaces threonine 255 with alanine.
Molecular consequence: missense variant.
Genome position (GRCh38, 1-based): chr2:96,761,762, A>G. VCF-style: chr2-96761762-A-G. GRCh37 (hg19) VCF-style: chr2-97427499-A-G.
Other names: short protein forms T255A.
Identifiers: ClinVar variation 1474590 (VCV001474590.5), dbSNP rs749703825, ClinGen allele CA1783258.